The following is an entry in ClinVar:

NM_001098426.2(SMARCD2):c.704A>G (p.Glu235Gly)

Gene: SMARCD2 (SWI/SNF related BAF chromatin remodeling complex subunit D2; minus strand). Cytogenetic location: 17q23.3.
Variant type: single nucleotide variant.
Coding change: c.704A>G on transcript NM_001098426.2 (MANE Select); coding-DNA position 704, A replaced by G.
Protein change: p.Glu235Gly; replaces glutamic acid 235 with glycine.
Molecular consequence: missense variant.
Genome position (GRCh38, 1-based): chr17:63,835,431, T>C on the plus strand (A>G on the coding strand, the complement: SMARCD2 is on the minus strand). VCF-style: chr17-63835431-T-C. GRCh37 (hg19) VCF-style: chr17-61912791-T-C.
Other names: c.479A>G, p.Glu160Gly (NM_001330439.1); c.560A>G, p.Glu187Gly (NM_001330440.2); short protein forms E187G, E160G, E235G.
Identifiers: ClinVar variation 2816861 (VCV002816861.3), dbSNP rs2511442068, ClinGen allele CA400600759.

ClinVar aggregate classification (germline): Uncertain significance (1 of 4 stars; one submission).

Submission:

Labcorp Genetics (formerly Invitae), Labcorp
Classification: Uncertain significance. Last evaluated: 2022-11-26. Review status: criteria provided, single submitter. Criteria: Invitae Variant Classification Sherloc (09022015). Collection method: clinical testing. Allele origin: germline.
Comment: This variant has not been reported in the literature in individuals affected with SMARCD2-related conditions. In summary, the available evidence is currently insufficient to determine the role of this variant in disease. Therefore, it has been classified as a Variant of Uncertain Significance. Advanced modeling of protein sequence and biophysical properties (such as structural, functional, and spatial information, amino acid conservation, physicochemical variation, residue mobility, and thermodynamic stability) performed at Invitae indicates that this missense variant is expected to disrupt SMARCD2 protein function. This variant is not present in population databases (gnomAD no frequency). This sequence change replaces glutamic acid, which is acidic and polar, with glycine, which is neutral and non-polar, at codon 235 of the SMARCD2 protein (p.Glu235Gly).